The following is an entry in ClinVar:

NM_006258.4(PRKG1):c.227G>C (p.Arg76Pro)

Gene: PRKG1 (protein kinase cGMP-dependent 1; plus strand). Cytogenetic location: 10q11.23.
Variant type: single nucleotide variant.
Coding change: c.227G>C on transcript NM_006258.4 (MANE Select); coding-DNA position 227, G replaced by C.
Protein change: p.Arg76Pro; replaces arginine 76 with proline.
Molecular consequence: missense variant. On other transcripts: intron variant (1).
Genome position (GRCh38, 1-based): chr10:51,074,817, G>C. VCF-style: chr10-51074817-G-C. GRCh37 (hg19) VCF-style: chr10-52834577-G-C.
Other names: c.227G>C, p.Arg76Pro (NM_001374782.1); c.267-78347G>C (NM_001098512.3); short protein forms R76P.
Identifiers: ClinVar variation 2829414 (VCV002829414.4), dbSNP rs1311695710, ClinGen allele CA376827073.
Genomic context (GRCh38, chr10:51,074,817, plus strand): 5'-CCACCCAGCAGGCGCAGAAGCAGAGCGCGAGCACCTTGCAGGGCGAGCCGCGCACCAAGC[G>C]GCAGGCGATCTCCGCCGAGCCCACCGCCTTCGACATCCAGGATCTCAGCCATGTGACCCT-3'
Protein context (NP_006249.1, residues 66-86): STLQGEPRTK[Arg76Pro]QAISAEPTAF

ClinVar aggregate classification (germline): Uncertain significance. Review status: criteria provided, multiple submitters, no conflicts (2 of 4 stars). 2 submissions from 2 submitters: Uncertain significance (2). Last evaluated 2025-03-28.

Conditions:
Aortic aneurysm, familial thoracic 8 (AAT8). Identifiers: MedGen C3809513, MONDO:0014187, OMIM 615436.

Submissions (2):

Women's Health and Genetics/Laboratory Corporation of America, LabCorp
Classification: Uncertain significance. Last evaluated: 2025-03-28. Review status: criteria provided, single submitter. Criteria: LabCorp Variant Classification Summary - May 2015. Collection method: clinical testing. Allele origin: germline.

Labcorp Genetics (formerly Invitae), Labcorp
Classification: Uncertain significance for Aortic aneurysm, familial thoracic 8. Last evaluated: 2023-01-17. Review status: criteria provided, single submitter. Criteria: Invitae Variant Classification Sherloc (09022015). Collection method: clinical testing. Allele origin: germline.
Comment: In summary, the available evidence is currently insufficient to determine the role of this variant in disease. Therefore, it has been classified as a Variant of Uncertain Significance. Algorithms developed to predict the effect of missense changes on protein structure and function (SIFT, PolyPhen-2, Align-GVGD) all suggest that this variant is likely to be tolerated. This variant has not been reported in the literature in individuals affected with PRKG1-related conditions. This variant is not present in population databases (gnomAD no frequency). This sequence change replaces arginine, which is basic and polar, with proline, which is neutral and non-polar, at codon 76 of the PRKG1 protein (p.Arg76Pro).